The following is an entry in ClinVar:

NM_004667.6(HERC2):c.11701-1G>A

Gene: HERC2 (HECT and RLD domain containing E3 ubiquitin protein ligase 2; minus strand). Cytogenetic location: 15q13.1.
Variant type: single nucleotide variant.
Coding change: c.11701-1G>A on transcript NM_004667.6 (MANE Select); the canonical splice acceptor site of the intron before coding-DNA position 11701, G replaced by A.
Molecular consequence: splice acceptor variant.
Genome position (GRCh38, 1-based): chr15:28,141,847, C>T on the plus strand (G>A on the coding strand, the complement: HERC2 is on the minus strand). VCF-style: chr15-28141847-C-T. GRCh37 (hg19) VCF-style: chr15-28386993-C-T.
Identifiers: ClinVar variation 931703 (VCV000931703.3), dbSNP rs1891259083, ClinGen allele CA391382064.

ClinVar aggregate classification (germline): Pathogenic (1 of 4 stars; one submission).

Conditions:
Prader-Willi syndrome (PWS). Identifiers: Orphanet 739, MedGen C0032897, MONDO:0008300, OMIM 176270. Disease mechanism: loss of function, Microdeletion. Inheritance: Microdletion.

Submission:

Centre for Mendelian Genomics, University Medical Centre Ljubljana
Classification: Pathogenic for Prader-Willi syndrome. Last evaluated: 2019-09-04. Review status: criteria provided, single submitter. Criteria: ACMG Guidelines, 2015. Collection method: clinical testing. Allele origin: unknown. Affected: yes.
Comment: This variant was classified as: Pathogenic. The following ACMG criteria were applied in classifying this variant: PVS1,PM2,PP3.